The following is an entry in ClinVar:

ClinVar aggregate classification (germline): Uncertain significance. Review status: criteria provided, multiple submitters, no conflicts (2 of 4 stars). 2 submissions from 2 submitters: Uncertain significance (2). Last evaluated 2023-06-06.

Allele frequency attached by ClinVar (database versions not stated): ESP Exome Variant Server 0.00008; gnomAD exomes below 0.00001; ExAC 0.00001; gnomAD 0.00003; TOPMed 0.00003.
gnomAD v4.1: 8 of 1,614,012 alleles (0.0005%); highest among the groups gnomAD compares: African/African-American, 0.008%; no homozygotes.

Submissions (2):

GeneDx
Classification: Uncertain significance. Last evaluated: 2023-06-06. Review status: criteria provided, single submitter. Criteria: GeneDx Variant Classification Process June 2021. Collection method: clinical testing. Allele origin: germline. Affected: yes.
Comment: Not observed at significant frequency in large population cohorts (gnomAD); In silico analysis supports that this missense variant does not alter protein structure/function; Has not been previously published as pathogenic or benign to our knowledge

Labcorp Genetics (formerly Invitae), Labcorp
Classification: Uncertain significance. Last evaluated: 2022-09-27. Review status: criteria provided, single submitter. Criteria: Invitae Variant Classification Sherloc (09022015). Collection method: clinical testing. Allele origin: germline.
Comment: This sequence change replaces serine, which is neutral and polar, with arginine, which is basic and polar, at codon 2701 of the CPLANE1 protein (p.Ser2701Arg). This variant is present in population databases (rs149463060, gnomAD 0.008%). This variant has not been reported in the literature in individuals affected with CPLANE1-related conditions. ClinVar contains an entry for this variant (Variation ID: 1407817). Advanced modeling of protein sequence and biophysical properties (such as structural, functional, and spatial information, amino acid conservation, physicochemical variation, residue mobility, and thermodynamic stability) performed at Invitae indicates that this missense variant is not expected to disrupt CPLANE1 protein function. In summary, the available evidence is currently insufficient to determine the role of this variant in disease. Therefore, it has been classified as a Variant of Uncertain Significance.

NM_001384732.1(CPLANE1):c.8265T>G (p.Ser2755Arg)

Gene: CPLANE1 (ciliogenesis and planar polarity effector complex subunit 1; minus strand). Cytogenetic location: 5p13.2.
Variant type: single nucleotide variant.
Coding change: c.8265T>G on transcript NM_001384732.1 (MANE Select); coding-DNA position 8265, T replaced by G.
Protein change: p.Ser2755Arg; replaces serine 2755 with arginine.
Molecular consequence: missense variant.
Genome position (GRCh38, 1-based): chr5:37,153,848, A>C on the plus strand (T>G on the coding strand, the complement: CPLANE1 is on the minus strand). VCF-style: chr5-37153848-A-C. GRCh37 (hg19) VCF-style: chr5-37153950-A-C.
Other names: c.8103T>G, p.Ser2701Arg (NM_023073.4); c.8103T>G (NM_023073.3); short protein forms S2755R, S2701R.
Identifiers: ClinVar variation 1407817 (VCV001407817.9), dbSNP rs149463060, ClinGen allele CA3237837.